The following is an entry in ClinVar:

ClinVar aggregate classification (germline): Uncertain significance (1 of 4 stars; one submission).

Submission:

GeneDx
Classification: Uncertain significance. Last evaluated: 2024-11-08. Review status: criteria provided, single submitter. Criteria: GeneDx Variant Classification Process June 2021. Collection method: clinical testing. Allele origin: germline.
Comment: Not observed at significant frequency in large population cohorts (gnomAD); In silico analysis supports that this missense variant has a deleterious effect on protein structure/function; Has not been previously published as pathogenic or benign to our knowledge; This variant is associated with the following publications: (PMID: 8616895)

NM_004380.3(CREBBP):c.6341G>T (p.Gly2114Val)

Gene: CREBBP (CREB binding lysine acetyltransferase; minus strand). Cytogenetic location: 16p13.3.
Variant type: single nucleotide variant.
Coding change: c.6341G>T on transcript NM_004380.3 (MANE Select); coding-DNA position 6341, G replaced by T.
Protein change: p.Gly2114Val; replaces glycine 2114 with valine.
Molecular consequence: missense variant.
Genome position (GRCh38, 1-based): chr16:3,728,706, C>A on the plus strand (G>T on the coding strand, the complement: CREBBP is on the minus strand). VCF-style: chr16-3728706-C-A. GRCh37 (hg19) VCF-style: chr16-3778707-C-A.
Other names: c.6227G>T, p.Gly2076Val (NM_001079846.1); short protein forms G2076V, G2114V.
Identifiers: ClinVar variation 3365108 (VCV003365108.2).